The following is an entry in ClinVar:

NM_001256545.2(MEGF10):c.2842A>C (p.Met948Leu)

Gene: MEGF10 (multiple EGF like domains 10; plus strand). Cytogenetic location: 5q23.2.
Variant type: single nucleotide variant.
Coding change: c.2842A>C on transcript NM_001256545.2 (MANE Select); coding-DNA position 2842, A replaced by C.
Protein change: p.Met948Leu; replaces methionine 948 with leucine.
Molecular consequence: missense variant.
Genome position (GRCh38, 1-based): chr5:127,447,670, A>C. VCF-style: chr5-127447670-A-C. GRCh37 (hg19) VCF-style: chr5-126783362-A-C.
Other names: c.2842A>C, p.Met948Leu (NM_032446.3); short protein forms M948L.
Identifiers: ClinVar variation 1009424 (VCV001009424.9), dbSNP rs1209069765, ClinGen allele CA360735287.
Genomic context (GRCh38, chr5:127,447,670, plus strand): 5'-CCCAGTTACCACACGCTCACCCAGTGTGCCACATCCCCTCACGTCAACAACAGGGACAGG[A>C]TGACTGTCACGAAGGTGAGAGGAATTGGTTCAAGTCTTTGGAAGTGGGCTGGGGAGAGAG-3'
Protein context (NP_001243474.1, residues 938-958): TSPHVNNRDR[Met948Leu]TVTKSKNNQL

ClinVar aggregate classification (germline): Uncertain significance (1 of 4 stars; one submission).

Conditions:
MEGF10-related myopathy (CMYO10A). Also called: Congenital myopathy 10A, severe variant. Identifiers: Orphanet 439212, MedGen C3280679, MONDO:0013731, OMIM 614399.

Submission:

Labcorp Genetics (formerly Invitae), Labcorp
Classification: Uncertain significance for MEGF10-related myopathy. Last evaluated: 2022-08-10. Review status: criteria provided, single submitter. Criteria: Invitae Variant Classification Sherloc (09022015). Collection method: clinical testing. Allele origin: germline.
Comment: This variant has not been reported in the literature in individuals affected with MEGF10-related conditions. In summary, the available evidence is currently insufficient to determine the role of this variant in disease. Therefore, it has been classified as a Variant of Uncertain Significance. Algorithms developed to predict the effect of missense changes on protein structure and function (SIFT, PolyPhen-2, Align-GVGD) all suggest that this variant is likely to be tolerated. ClinVar contains an entry for this variant (Variation ID: 1009424). This variant is not present in population databases (gnomAD no frequency). This sequence change replaces methionine, which is neutral and non-polar, with leucine, which is neutral and non-polar, at codon 948 of the MEGF10 protein (p.Met948Leu).